The following is an entry in ClinVar:

ClinVar aggregate classification (germline): Uncertain significance (1 of 4 stars; one submission).

Submission:

Ambry Genetics
Classification: Uncertain significance. Last evaluated: 2021-10-11. Review status: criteria provided, single submitter. Criteria: Ambry Variant Classification Scheme 2023. Collection method: clinical testing. Allele origin: germline.
Comment: The p.K363N variant (also known as c.1089G>T), located in coding exon 11 of the ILK gene, results from a G to T substitution at nucleotide position 1089. The lysine at codon 363 is replaced by asparagine, an amino acid with similar properties. This amino acid position is conserved. In addition, the in silico prediction for this alteration is inconclusive. Since supporting evidence is limited at this time, the clinical significance of this alteration remains unclear.

NM_004517.4(ILK):c.1089G>T (p.Lys363Asn)

Genes: ILK (integrin linked kinase; plus strand), TAF10 (TATA-box binding protein associated factor 10; minus strand). Cytogenetic location: 11p15.4.
Variant type: single nucleotide variant.
Coding change: c.1089G>T on transcript NM_004517.4 (MANE Select); coding-DNA position 1089, G replaced by T.
Protein change: p.Lys363Asn; replaces lysine 363 with asparagine.
Molecular consequence: missense variant. On other transcripts: 3 prime UTR variant (1).
Genome position (GRCh38, 1-based): chr11:6,610,158, G>T. VCF-style: chr11-6610158-G-T. GRCh37 (hg19) VCF-style: chr11-6631389-G-T.
Other names: c.1089G>T, p.Lys363Asn (NM_001014794.3, NM_001014795.3); c.906G>T, p.Lys302Asn (NM_001278441.2); c.687G>T, p.Lys229Asn (NM_001278442.2); c.*764C>A (NM_006284.4); short protein forms K363N, K302N, K229N.
Identifiers: ClinVar variation 1788593 (VCV001788593.2), dbSNP rs2493779301, ClinGen allele CA379466738.
Genomic context (GRCh38, chr11:6,610,158, plus strand): 5'-AGAGACAGGACAGGCAAGGGGGCCAGAACAGACAAGCCCTATCTCTCCAGCTCTGCAGAA[G>T]AAGCCTGAAGACACAAACAGACGCTCAGCAGACATGTGGAGTTTTGCAGTGCTTCTGTGG-3'
Protein context (NP_004508.1, residues 353-373): PAWVAPEALQ[Lys363Asn]KPEDTNRRSA